The following is an entry in ClinVar:

ClinVar aggregate classification (germline): Uncertain significance (1 of 4 stars; one submission).

Submission:

Labcorp Genetics (formerly Invitae), Labcorp
Classification: Uncertain significance. Last evaluated: 2021-08-08. Review status: criteria provided, single submitter. Criteria: Invitae Variant Classification Sherloc (09022015). Collection method: clinical testing. Allele origin: germline.
Comment: This sequence change replaces alanine with valine at codon 654 of the MSH3 protein (p.Ala654Val). The alanine residue is moderately conserved and there is a small physicochemical difference between alanine and valine. This variant is not present in population databases (ExAC no frequency). Algorithms developed to predict the effect of sequence changes on RNA splicing suggest that this variant may create or strengthen a splice site, but this prediction has not been confirmed by published transcriptional studies. In summary, the available evidence is currently insufficient to determine the role of this variant in disease. Therefore, it has been classified as a Variant of Uncertain Significance. This variant has not been reported in the literature in individuals with MSH3-related conditions. Algorithms developed to predict the effect of missense changes on protein structure and function (SIFT, PolyPhen-2, Align-GVGD) all suggest that this variant is likely to be tolerated, but these predictions have not been confirmed by published functional studies and their clinical significance is uncertain.

NM_002439.5(MSH3):c.1961C>T (p.Ala654Val)

Gene: MSH3 (mutS homolog 3; plus strand). Cytogenetic location: 5q14.1.
Variant type: single nucleotide variant.
Coding change: c.1961C>T on transcript NM_002439.5 (MANE Select); coding-DNA position 1961, C replaced by T.
Protein change: p.Ala654Val; replaces alanine 654 with valine.
Molecular consequence: missense variant.
Genome position (GRCh38, 1-based): chr5:80,767,997, C>T. VCF-style: chr5-80767997-C-T. GRCh37 (hg19) VCF-style: chr5-80063816-C-T.
Other names: short protein forms A654V.
Identifiers: ClinVar variation 956044 (VCV000956044.9), dbSNP rs1744151040, ClinGen allele CA360277576.